The following is an entry in ClinVar:

ClinVar aggregate classification (germline): Uncertain significance (1 of 4 stars; one submission).

Conditions:
Inborn genetic diseases. Identifiers: MedGen C0950123, MeSH D030342.

gnomAD v4.1: 2 of 1,599,372 alleles (0.00013%); highest among the groups gnomAD compares: Non-Finnish European, 0.00017%; no homozygotes.

Submission:

Ambry Genetics
Classification: Uncertain significance for Inborn genetic diseases. Last evaluated: 2026-08-31. Review status: criteria provided, single submitter. Criteria: Ambry Variant Classification Scheme 2023. Collection method: clinical testing. Allele origin: germline.
Comment: The p.V674I variant (also known as c.2020G>A), located in coding exon 14 of the MIB1 gene, results from a G to A substitution at nucleotide position 2020. The valine at codon 674 is replaced by isoleucine, an amino acid with highly similar properties. This amino acid position is conserved. In addition, the in silico prediction for this alteration is inconclusive. Based on the available evidence, the clinical significance of this variant remains unclear.

NM_020774.4(MIB1):c.2020G>A (p.Val674Ile)

Gene: MIB1 (MIB E3 ubiquitin protein ligase 1; plus strand). Cytogenetic location: 18q11.2.
Variant type: single nucleotide variant.
Coding change: c.2020G>A on transcript NM_020774.4 (MANE Select); coding-DNA position 2020, G replaced by A.
Protein change: p.Val674Ile; replaces valine 674 with isoleucine.
Molecular consequence: missense variant.
Genome position (GRCh38, 1-based): chr18:21,843,188, G>A. VCF-style: chr18-21843188-G-A. GRCh37 (hg19) VCF-style: chr18-19423149-G-A.
Other names: short protein forms V674I.
Identifiers: ClinVar variation 5024460 (VCV005024460.1).